The following is an entry in ClinVar:

NM_001408.3(CELSR2):c.5576C>G (p.Pro1859Arg)

Gene: CELSR2 (cadherin EGF LAG seven-pass G-type receptor 2; plus strand). Cytogenetic location: 1p13.3.
Variant type: single nucleotide variant.
Coding change: c.5576C>G on transcript NM_001408.3 (MANE Select); coding-DNA position 5576, C replaced by G.
Protein change: p.Pro1859Arg; replaces proline 1859 with arginine.
Molecular consequence: missense variant.
Genome position (GRCh38, 1-based): chr1:109,264,979, C>G. VCF-style: chr1-109264979-C-G. GRCh37 (hg19) VCF-style: chr1-109807601-C-G.
Other names: short protein forms P1859R.
Identifiers: ClinVar variation 2400222 (VCV002400222.3), dbSNP rs1221167484, ClinGen allele CA341502834.
Genomic context (GRCh38, chr1:109,264,979, plus strand): 5'-ACCAGTCTGTGTGTACCCGCAAGCCCAGTGCCCCCCATGGCTATACCTGCGAGTGTCCCC[C>G]AAATTACCTTGGGCCATACTGTGAGACCAGGTAAGCAGACCAGGGCATGTGGCAGCAGGT-3'
Protein context (NP_001399.1, residues 1849-1869): APHGYTCECP[Pro1859Arg]NYLGPYCETR

ClinVar aggregate classification (germline): Uncertain significance. Review status: criteria provided, multiple submitters, no conflicts (2 of 4 stars). 2 submissions from 2 submitters: Uncertain significance (2). Last evaluated 2026-01-12.

Allele frequency attached by ClinVar (database versions not stated): gnomAD exomes below 0.00001; TOPMed below 0.00001.
gnomAD v4.1: 2 of 1,614,200 alleles (0.00012%); highest among the groups gnomAD compares: Admixed American, 0.0033%; no homozygotes.

Submissions (2):

Labcorp Genetics (formerly Invitae), Labcorp
Classification: Uncertain significance. Last evaluated: 2026-01-12. Review status: criteria provided, single submitter. Criteria: Invitae Variant Classification Sherloc (09022015). Collection method: clinical testing. Allele origin: germline.
Comment: This sequence change replaces proline, which is neutral and non-polar, with arginine, which is basic and polar, at codon 1859 of the CELSR2 protein (p.Pro1859Arg). This variant is present in population databases (no rsID available, gnomAD 0.006%). This variant has not been reported in the literature in individuals affected with CELSR2-related conditions. ClinVar contains an entry for this variant (Variation ID: 2400222). Invitae Evidence Modeling of protein sequence and biophysical properties (such as structural, functional, and spatial information, amino acid conservation, physicochemical variation, residue mobility, and thermodynamic stability) indicates that this missense variant is not expected to disrupt CELSR2 protein function with a negative predictive value of 80%. In summary, the available evidence is currently insufficient to determine the role of this variant in disease. Therefore, it has been classified as a Variant of Uncertain Significance.

Ambry Genetics
Classification: Uncertain significance. Last evaluated: 2021-07-06. Review status: criteria provided, single submitter. Criteria: Ambry Variant Classification Scheme 2023. Collection method: clinical testing. Allele origin: germline.